The following is an entry in ClinVar:

NM_014915.3(ANKRD26):c.1442G>A (p.Gly481Asp)

Gene: ANKRD26 (ankyrin repeat domain 26; minus strand). Cytogenetic location: 10p12.1.
Variant type: single nucleotide variant.
Coding change: c.1442G>A on transcript NM_014915.3 (MANE Select); coding-DNA position 1442, G replaced by A.
Protein change: p.Gly481Asp; replaces glycine 481 with aspartic acid.
Molecular consequence: missense variant.
Genome position (GRCh38, 1-based): chr10:27,061,164, C>T on the plus strand (G>A on the coding strand, the complement: ANKRD26 is on the minus strand). VCF-style: chr10-27061164-C-T. GRCh37 (hg19) VCF-style: chr10-27350093-C-T.
Other names: c.1442G>A, p.Gly481Asp (NM_001256053.2); short protein forms G481D.
Identifiers: ClinVar variation 4859280 (VCV004859280.1).

ClinVar aggregate classification (germline): Uncertain significance (1 of 4 stars; one submission).

Conditions:
Inborn genetic diseases. Identifiers: MedGen C0950123, MeSH D030342.

gnomAD v4.1: 5 of 1,611,734 alleles (0.00031%); highest among the groups gnomAD compares: South Asian, 0.0011%; no homozygotes.

Submission:

Ambry Genetics
Classification: Uncertain significance for Inborn genetic diseases. Last evaluated: 2026-04-11. Review status: criteria provided, single submitter. Criteria: Ambry Variant Classification Scheme 2023. Collection method: clinical testing. Allele origin: germline.
Comment: The p.G481D variant (also known as c.1442G>A), located in coding exon 13 of the ANKRD26 gene, results from a G to A substitution at nucleotide position 1442. The glycine at codon 481 is replaced by aspartic acid, an amino acid with similar properties. This amino acid position is conserved. In addition, this alteration is predicted to be tolerated by in silico analysis. Based on the available evidence, the clinical significance of this variant remains unclear.